The following is an entry in ClinVar:

NM_001099667.3(ARMS2):c.*373T>G

Genes: ARMS2 (age-related maculopathy susceptibility 2; plus strand), HTRA1-AS1 (HTRA1 and ARMS2 antisense RNA 1; minus strand). Cytogenetic location: 10q26.13.
Variant type: single nucleotide variant.
Coding change: c.*373T>G on transcript NM_001099667.3 (MANE Select); 373 bases downstream of the stop codon, T replaced by G.
Molecular consequence: 3 prime UTR variant.
Genome position (GRCh38, 1-based): chr10:122,457,306, T>G. VCF-style: chr10-122457306-T-G. GRCh37 (hg19) VCF-style: chr10-124216822-T-G.
Identifiers: ClinVar variation 299038 (VCV000299038.7), dbSNP rs4752698, ClinGen allele CA10631091.

ClinVar aggregate classification (germline): Benign/Likely benign. Review status: criteria provided, multiple submitters, no conflicts (2 of 4 stars). 2 submissions from 2 submitters: Benign (1); Likely benign (1). Last evaluated 2018-03-06.

Conditions:
Age related macular degeneration 8. Identifiers: MedGen C3151070, MONDO:0013416, OMIM 613778.

Allele frequency attached by ClinVar (database versions not stated): 1000 Genomes Project 0.07448; 1000 Genomes Project 30x 0.08354; gnomAD 0.09758 and 0.09955; gnomAD exomes 0.12391.
gnomAD v4.1: 21,853 of 203,018 alleles (11%); highest among the groups gnomAD compares: Middle Eastern, 21%; 1,805 homozygotes.

Submissions (2):

Illumina Laboratory Services, Illumina
Classification: Benign for Age related macular degeneration 8. Last evaluated: 2018-03-06. Review status: criteria provided, single submitter. Criteria: ICSL Variant Classification Criteria 13 December 2019. Collection method: clinical testing. Allele origin: germline.
Comment: This variant was observed in the ICSL laboratory as part of a predisposition screen in an ostensibly healthy population. It had not been previously curated by ICSL or reported in the Human Gene Mutation Database (HGMD: prior to June 1st, 2018), and was therefore a candidate for classification through an automated scoring system. Utilizing variant allele frequency, disease prevalence and penetrance estimates, and inheritance mode, an automated score was calculated to assess if this variant is too frequent to cause the disease. Based on the score and internal cut-off values, a variant classified as benign is not then subjected to further curation. The score for this variant resulted in a classification of benign for this disease.

Breakthrough Genomics
Classification: Likely benign. Review status: criteria provided, single submitter. Criteria: ACMG Guidelines, 2015. Collection method: not provided. Allele origin: germline. Inheritance: Unknown mechanism. Affected: yes.